The following is an entry in ClinVar:

ClinVar aggregate classification (germline): Uncertain significance (1 of 4 stars; one submission).

Conditions:
Facioscapulohumeral muscular dystrophy 2 (FSHD2). Also called: FACIOSCAPULOHUMERAL MUSCULAR DYSTROPHY 2, DIGENIC; FSHD2, DIGENIC; MUSCULAR DYSTROPHY, FACIOSCAPULOHUMERAL, TYPE 1B. Identifiers: Orphanet 269, MedGen C1834671, MONDO:0008031, OMIM 158901.

Allele frequency attached by ClinVar (database versions not stated): TOPMed below 0.00001; gnomAD exomes 0.00003.
gnomAD v4.1: 40 of 1,598,572 alleles (0.0025%); highest among the groups gnomAD compares: Non-Finnish European, 0.0034%; no homozygotes.

Submission:

Labcorp Genetics (formerly Invitae), Labcorp
Classification: Uncertain significance for Facioscapulohumeral muscular dystrophy 2. Last evaluated: 2024-01-02. Review status: criteria provided, single submitter. Criteria: Invitae Variant Classification Sherloc (09022015). Collection method: clinical testing. Allele origin: germline.
Comment: This sequence change replaces valine, which is neutral and non-polar, with methionine, which is neutral and non-polar, at codon 182 of the SMCHD1 protein (p.Val182Met). The frequency data for this variant in the population databases is considered unreliable, as metrics indicate poor data quality at this position in the gnomAD database. This variant has not been reported in the literature in individuals affected with SMCHD1-related conditions. ClinVar contains an entry for this variant (Variation ID: 2139206). Advanced modeling of protein sequence and biophysical properties (such as structural, functional, and spatial information, amino acid conservation, physicochemical variation, residue mobility, and thermodynamic stability) performed at Invitae indicates that this missense variant is expected to disrupt SMCHD1 protein function with a positive predictive value of 80%. In summary, the available evidence is currently insufficient to determine the role of this variant in disease. Therefore, it has been classified as a Variant of Uncertain Significance.

NM_015295.3(SMCHD1):c.544G>A (p.Val182Met)

Gene: SMCHD1 (structural maintenance of chromosomes flexible hinge domain containing 1; plus strand). Cytogenetic location: 18p11.32.
Variant type: single nucleotide variant.
Coding change: c.544G>A on transcript NM_015295.3 (MANE Select); coding-DNA position 544, G replaced by A.
Protein change: p.Val182Met; replaces valine 182 with methionine.
Molecular consequence: missense variant.
Genome position (GRCh38, 1-based): chr18:2,674,051, G>A. VCF-style: chr18-2674051-G-A. GRCh37 (hg19) VCF-style: chr18-2674050-G-A.
Other names: short protein forms V182M.
Identifiers: ClinVar variation 2139206 (VCV002139206.4), dbSNP rs1435114726, ClinGen allele CA401690021.
Genomic context (GRCh38, chr18:2,674,051, plus strand): 5'-TTTTGAACTTATTTTGTTTCATAGCTTTTTGATGAAACACAAGGAAAACCTGCTGTTGCA[G>A]TGATAGATAATGGAAGAGGAATGACCTCTAAACAGCTTAACAACTGGGCCGTGTATAGGT-3'
Protein context (NP_056110.2, residues 172-192): DETQGKPAVA[Val182Met]IDNGRGMTSK